The following is an entry in ClinVar:

ClinVar aggregate classification (germline): Conflicting classifications of pathogenicity. Review status: criteria provided, conflicting classifications (1 of 4 stars). 2 submissions from 2 submitters: Uncertain significance (1); Likely benign (1). Last evaluated 2025-10-06.

Conditions:
Hypertrophic cardiomyopathy 26. Also called: Cardiomyopathy, familial hypertrophic, 26. Identifiers: Orphanet 75249, MedGen C4310749, MONDO:0014883, OMIM 617047.
Myofibrillar myopathy 5. Also called: FILAMINOPATHY, AUTOSOMAL DOMINANT; Filaminopathy (type). Identifiers: Orphanet 171445, MedGen C1836050, MONDO:0012289, OMIM 609524.
Distal myopathy with posterior leg and anterior hand involvement. Also called: WILLIAMS DISTAL MYOPATHY. Identifiers: Orphanet 63273, MedGen C3279722, MONDO:0013550, OMIM 614065.

Allele frequency attached by ClinVar (database versions not stated): TOPMed below 0.00001; gnomAD 0.00001; gnomAD exomes 0.00001; ExAC 0.00002; ESP Exome Variant Server 0.00008.
gnomAD v4.1: 9 of 1,612,814 alleles (0.00056%); highest among the groups gnomAD compares: Non-Finnish European, 0.00076%; no homozygotes.

Submissions (2):

Labcorp Genetics (formerly Invitae), Labcorp
Classification: Likely benign for Distal myopathy with posterior leg and anterior hand involvement; Myofibrillar myopathy 5; Hypertrophic cardiomyopathy 26. Last evaluated: 2025-10-06. Review status: criteria provided, single submitter. Criteria: Invitae Variant Classification Sherloc (09022015). Collection method: clinical testing. Allele origin: germline.

GeneDx
Classification: Uncertain significance. Last evaluated: 2019-04-03. Review status: criteria provided, single submitter. Criteria: GeneDx Variant Classification Process June 2021. Collection method: clinical testing. Allele origin: germline. Affected: yes.
Comment: In silico analysis, which includes protein predictors and evolutionary conservation, supports that this variant does not alter protein structure/function; Has not been previously published as pathogenic or benign to our knowledge

NM_001458.5(FLNC):c.7155C>G (p.Ile2385Met)

Genes: FLNC-AS1 (FLNC antisense RNA 1; minus strand), FLNC (filamin C; plus strand). Cytogenetic location: 7q32.1.
Variant type: single nucleotide variant.
Coding change: c.7155C>G on transcript NM_001458.5 (MANE Select); coding-DNA position 7155, C replaced by G.
Protein change: p.Ile2385Met; replaces isoleucine 2385 with methionine.
Molecular consequence: missense variant.
Genome position (GRCh38, 1-based): chr7:128,855,218, C>G. VCF-style: chr7-128855218-C-G. GRCh37 (hg19) VCF-style: chr7-128495272-C-G.
Other names: c.7056C>G, p.Ile2352Met (NM_001127487.2); short protein forms I2352M, I2385M.
Identifiers: ClinVar variation 1308555 (VCV001308555.3), dbSNP rs370808172, ClinGen allele CA4476182.